The following is an entry in ClinVar:

ClinVar aggregate classification (germline): Pathogenic. Review status: criteria provided, single submitter (1 of 4 stars). 4 submissions from 3 submitters: Pathogenic (1). 3 of the submissions do not count toward it. Last evaluated 2020-06-03.

Conditions:
Charcot-Marie-Tooth disease. Also called: Charcot-Marie-Tooth Hereditary Neuropathy; Charcot-Marie-Tooth Neuropathy. Identifiers: Orphanet 166, MedGen C0007959, MONDO:0015626.
Charcot-Marie-Tooth disease type 4B1. Also called: CHARCOT-MARIE-TOOTH DISEASE, AUTOSOMAL RECESSIVE, WITH FOCALLY FOLDED MYELIN SHEATHS, AUTOSOMAL RECESSIVE, TYPE 4B1; CHARCOT-MARIE-TOOTH DISEASE, TYPE 4B; CHARCOT-MARIE-TOOTH DISEASE, DEMYELINATING, TYPE 4B1; Charcot-Marie-Tooth Neuropathy Type 4B1. Identifiers: Orphanet 99955, MedGen C1832399, MONDO:0011066, OMIM 601382.

Submissions (4):

Baylor Genetics
Classification: Pathogenic for Charcot-Marie-Tooth disease type 4B1. Last evaluated: 2020-06-03. Review status: criteria provided, single submitter. Criteria: ACMG Guidelines, 2015. Collection method: clinical testing. Allele origin: unknown. Affected: yes.
Comment: This variant was determined to be pathogenic according to ACMG Guidelines, 2015 [PMID:25741868].

OMIM
Classification: Pathogenic for CHARCOT-MARIE-TOOTH DISEASE, HYPOMYELINATING, TYPE 4B1. Last evaluated: 2000-05-01. Review status: no assertion criteria provided. Collection method: literature only. Allele origin: germline. Not counted in ClinVar's aggregate classification.

Inherited Neuropathy Consortium
Classification: Uncertain significance for Charcot-Marie-Tooth disease. Review status: no assertion criteria provided. Collection method: literature only. Allele origin: germline. Affected: yes. Not counted in ClinVar's aggregate classification.

Inherited Neuropathy Consortium
Classification: Uncertain significance for Charcot-Marie-Tooth disease. Review status: flagged submission. Collection method: literature only. Allele origin: germline. Affected: yes. Not counted in ClinVar's aggregate classification.
ClinVar note: Reason: This record appears to be redundant with a more recent record from the same submitter.
ClinVar note: Notes: SCV000929045 appears to be redundant with SCV000929516.

Literature cited by the submitters: PubMed 10802647 (cited by OMIM and Inherited Neuropathy Consortium).

NM_016156.6(MTMR2):c.1593+1G>A

Gene: MTMR2 (myotubularin related protein 2; minus strand). Cytogenetic location: 11q21.
Variant type: single nucleotide variant.
Coding change: c.1593+1G>A on transcript NM_016156.6 (MANE Select); the canonical splice donor site of the intron after coding-DNA position 1593, G replaced by A.
Molecular consequence: splice donor variant.
Genome position (GRCh38, 1-based): chr11:95,838,093, C>T on the plus strand (G>A on the coding strand, the complement: MTMR2 is on the minus strand). VCF-style: chr11-95838093-C-T. GRCh37 (hg19) VCF-style: chr11-95571257-C-T.
Other names: IVS13, G-A, +1; c.1480_1593del (NM_003912.1); c.1377+1G>A (NM_201281.3, NM_201278.3, NM_001243571.2).
Identifiers: ClinVar variation 637472 (VCV000637472.6), dbSNP rs1590970875, ClinGen allele CA382416253.